The following is an entry in ClinVar:

ClinVar aggregate classification (germline): Pathogenic (1 of 4 stars; one submission).

Submission:

GeneDx
Classification: Pathogenic. Last evaluated: 2023-08-17. Review status: criteria provided, single submitter. Criteria: GeneDx Variant Classification Process June 2021. Collection method: clinical testing. Allele origin: germline. Affected: yes.
Comment: Canonical splice site variant predicted to result in an in-frame loss of the adjacent exon in a gene for which loss of function is a known mechanism of disease; Not observed at significant frequency in large population cohorts (gnomAD); Has not been previously published as pathogenic or benign to our knowledge

NM_017780.4(CHD7):c.3379-2A>G

Gene: CHD7 (chromodomain helicase DNA binding protein 7; plus strand). Cytogenetic location: 8q12.2.
Variant type: single nucleotide variant.
Coding change: c.3379-2A>G on transcript NM_017780.4 (MANE Select); the canonical splice acceptor site of the intron before coding-DNA position 3379, A replaced by G.
Molecular consequence: splice acceptor variant. On other transcripts: intron variant (1).
Genome position (GRCh38, 1-based): chr8:60,828,661, A>G. VCF-style: chr8-60828661-A-G. GRCh37 (hg19) VCF-style: chr8-61741220-A-G.
Other names: c.1717-33568A>G (NM_001316690.1).
Identifiers: ClinVar variation 2576785 (VCV002576785.1), dbSNP rs864622523, ClinGen allele CA371314103.